The following is an entry in ClinVar:

NM_000222.3(KIT):c.1207A>G (p.Ile403Val)

Gene: KIT (KIT proto-oncogene, receptor tyrosine kinase; plus strand). Cytogenetic location: 4q12.
Variant type: single nucleotide variant.
Coding change: c.1207A>G on transcript NM_000222.3 (MANE Select); coding-DNA position 1207, A replaced by G.
Protein change: p.Ile403Val; replaces isoleucine 403 with valine.
Molecular consequence: missense variant.
Genome position (GRCh38, 1-based): chr4:54,709,515, A>G. VCF-style: chr4-54709515-A-G. GRCh37 (hg19) VCF-style: chr4-55575681-A-G.
Other names: c.1207A>G, p.Ile403Val (NM_001093772.2, NM_001385285.1, NM_001385286.1); c.1210A>G, p.Ile404Val (NM_001385284.1, NM_001385288.1, NM_001385290.1 and 1 more transcripts); short protein forms I403V, I404V.
Identifiers: ClinVar variation 237237 (VCV000237237.56), dbSNP rs878853759, ClinGen allele CA10582258.

ClinVar aggregate classification (germline): Conflicting classifications of pathogenicity. Review status: criteria provided, conflicting classifications (1 of 4 stars). 3 submissions from 3 submitters: Uncertain significance (2); Likely benign (1). Last evaluated 2026-02-02.

Conditions:
Gastrointestinal stromal tumor. Also called: Gastrointestinal stromal tumor, somatic; Gastrointestinal stroma tumor. Identifiers: Orphanet 44890, MedGen C0238198, MeSH D046152, MONDO:0011719, OMIM 606764, HP:0100723.
Hereditary cancer-predisposing syndrome. Also called: Tumor predisposition; Hereditary Cancer Syndrome; Neoplastic Syndromes, Hereditary; Hereditary neoplastic syndrome. Identifiers: Orphanet 140162, MedGen C0027672, MeSH D009386, MONDO:0015356.

Allele frequency attached by ClinVar (database versions not stated): gnomAD exomes below 0.00001 and 0.00001; gnomAD 0.00003; TOPMed 0.00005.
gnomAD v4.1: 18 of 1,603,920 alleles (0.0011%); highest among the groups gnomAD compares: Non-Finnish European, 0.0015%; no homozygotes.

Submissions (3):

Labcorp Genetics (formerly Invitae), Labcorp
Classification: Uncertain significance for Gastrointestinal stromal tumor. Last evaluated: 2026-02-02. Review status: criteria provided, single submitter. Criteria: Invitae Variant Classification Sherloc (09022015). Collection method: clinical testing. Allele origin: germline.
Comment: This sequence change replaces isoleucine, which is neutral and non-polar, with valine, which is neutral and non-polar, at codon 403 of the KIT protein (p.Ile403Val). This variant is present in population databases (no rsID available, gnomAD 0.002%). This variant has not been reported in the literature in individuals affected with KIT-related conditions. ClinVar contains an entry for this variant (Variation ID: 237237). An algorithm developed to predict the effect of missense changes on protein structure and function outputs the following: PolyPhen-2: "Benign". The valine amino acid residue is found in multiple mammalian species, which suggests that this missense change does not adversely affect protein function. In summary, the available evidence is currently insufficient to determine the role of this variant in disease. Therefore, it has been classified as a Variant of Uncertain Significance.

CeGaT Center for Human Genetics Tuebingen
Classification: Uncertain significance. Last evaluated: 2024-07-01. Review status: criteria provided, single submitter. Criteria: CeGaT Center For Human Genetics Tuebingen Variant Classification Criteria Version 2. Collection method: clinical testing. Allele origin: germline. Affected: yes. Observed: 2 variant alleles.
Comment: KIT: PM2, BP4

Ambry Genetics
Classification: Likely benign for Hereditary cancer-predisposing syndrome. Last evaluated: 2019-05-23. Review status: criteria provided, single submitter. Criteria: Ambry Variant Classification Scheme 2023. Collection method: clinical testing. Allele origin: germline.